The following is an entry in ClinVar:

NM_001018113.3(FANCB):c.1720T>A (p.Cys574Ser)

Gene: FANCB (FA complementation group B; minus strand). Cytogenetic location: Xp22.2.
Variant type: single nucleotide variant.
Coding change: c.1720T>A on transcript NM_001018113.3 (MANE Select); coding-DNA position 1720, T replaced by A.
Protein change: p.Cys574Ser; replaces cysteine 574 with serine.
Molecular consequence: missense variant.
Genome position (GRCh38, 1-based): chrX:14,845,063, A>T on the plus strand (T>A on the coding strand, the complement: FANCB is on the minus strand). VCF-style: chrX-14845063-A-T. GRCh37 (hg19) VCF-style: chrX-14863185-A-T.
Other names: c.1720T>A (NM_001018113.2); c.1720T>A, p.Cys574Ser (NM_001324162.2, NM_152633.4); short protein forms C574S.
Identifiers: ClinVar variation 408160 (VCV000408160.17), dbSNP rs200303151, ClinGen allele CA10353010.

ClinVar aggregate classification (germline): Conflicting classifications of pathogenicity. Review status: criteria provided, conflicting classifications (1 of 4 stars). 6 submissions from 6 submitters: Uncertain significance (3); Likely benign (2). 1 of the submissions does not count toward it. Last evaluated 2026-01-21.

Conditions:
Inborn genetic diseases. Identifiers: MedGen C0950123, MeSH D030342.
Fanconi anemia (FA). Also called: Fanconi's anemia. Identifiers: Orphanet 84, MedGen C0015625, MeSH D005199, MONDO:0019391.
FANCB-related disorder. Also called: FANCB-related condition.
Fanconi anemia complementation group B (FANCB). Also called: FANCB-Related Fanconi Anemia; FANCONI PANCYTOPENIA, TYPE 2. Identifiers: Orphanet 84, MedGen C1845292, MONDO:0010351, OMIM 300514.
VACTERL association, X-linked, with or without hydrocephalus (VACTERLX). Also called: X-linked VACTERL-H syndrome; VACTERL ASSOCIATION, X-LINKED; VACTERL Association with Hydrocephalus, X-linked; VACTERL-H, X-LINKED. Identifiers: Orphanet 3412, MedGen C2931228, MONDO:0010752, OMIM 314390.

Allele frequency attached by ClinVar (database versions not stated): gnomAD exomes 0.00007 and 0.00002; gnomAD 0.00017 and 0.00019; ESP Exome Variant Server 0.00028; TOPMed 0.00031.
gnomAD v4.1: 42 of 1,206,086 alleles (0.0035%); highest among the groups gnomAD compares: African/African-American, 0.056%; no homozygotes.

Submissions (6):

Labcorp Genetics (formerly Invitae), Labcorp
Classification: Likely benign for Fanconi anemia. Last evaluated: 2026-01-21. Review status: criteria provided, single submitter. Criteria: Invitae Variant Classification Sherloc (09022015). Collection method: clinical testing. Allele origin: germline.

Dasa
Classification: Uncertain significance. Last evaluated: 2025-03-17. Review status: criteria provided, single submitter. Criteria: DASA Assertion Criteria. Collection method: clinical testing. Allele origin: germline.
Comment: NM_001018113.3(FANCB):c.1720T>A (p.Cys574Ser) is a missense variant that results in the substitution of cysteine with serine. This variant has been observed in affected individuals with FANCB-related disorders. Also, this variant is rare in population databases. Computational prediction algorithms are consistent with a benign effect. The currently available literature and clinical evidence are not sufficient to establish a definitive association between this variant and the reported condition. Therefore, this variant is classified as a variant of uncertain significance.

Ambry Genetics
Classification: Likely benign for Inborn genetic diseases. Last evaluated: 2023-12-22. Review status: criteria provided, single submitter. Criteria: Ambry Variant Classification Scheme 2023. Collection method: clinical testing. Allele origin: germline.

Fulgent Genetics
Classification: Uncertain significance for Fanconi anemia complementation group B; VACTERL association, X-linked, with or without hydrocephalus. Last evaluated: 2018-10-31. Review status: criteria provided, single submitter. Criteria: ACMG Guidelines, 2015. Collection method: clinical testing. Allele origin: unknown.

Genetic Services Laboratory, University of Chicago
Classification: Uncertain significance. Last evaluated: 2017-08-02. Review status: criteria provided, single submitter. Criteria: ACMG Guidelines, 2015. Collection method: clinical testing. Allele origin: germline. Affected: no.

PreventionGenetics, part of Exact Sciences
Classification: Likely benign for FANCB-related condition. Last evaluated: 2023-12-29. Review status: no assertion criteria provided. Collection method: clinical testing. Allele origin: germline. Not counted in ClinVar's aggregate classification.
Comment: This variant is classified as likely benign based on ACMG/AMP sequence variant interpretation guidelines (Richards et al. 2015 PMID: 25741868, with internal and published modifications).